The following is an entry in ClinVar:

ClinVar aggregate classification (germline): Benign. Review status: criteria provided, single submitter (1 of 4 stars). 2 submissions from 2 submitters: Benign (1). 1 of the submissions does not count toward it. Last evaluated 2017-07-17.

Conditions:
KIRREL3-related disorder. Also called: KIRREL3-related condition.

Allele frequency attached by ClinVar (database versions not stated): gnomAD 0.00023 and 0.00024; ESP Exome Variant Server 0.00024; gnomAD exomes 0.00027 and 0.00028; ExAC 0.00043; TOPMed 0.00023.
gnomAD v4.1: 439 of 1,583,124 alleles (0.028%); highest among the groups gnomAD compares: Non-Finnish European, 0.031%; no homozygotes.

Submissions (2):

Genetic Services Laboratory, University of Chicago
Classification: Benign. Last evaluated: 2017-07-17. Review status: criteria provided, single submitter. Criteria: ACMG Guidelines, 2015. Collection method: clinical testing. Allele origin: germline. Affected: no.

PreventionGenetics, part of Exact Sciences
Classification: Likely benign for KIRREL3-related condition. Last evaluated: 2022-07-27. Review status: no assertion criteria provided. Collection method: clinical testing. Allele origin: germline. Not counted in ClinVar's aggregate classification.
Comment: This variant is classified as likely benign based on ACMG/AMP sequence variant interpretation guidelines (Richards et al. 2015 PMID: 25741868, with internal and published modifications).

NM_032531.4(KIRREL3):c.174G>A (p.Val58=)

Gene: KIRREL3 (kirre like nephrin family adhesion molecule 3; minus strand). Cytogenetic location: 11q24.2.
Variant type: single nucleotide variant.
Coding change: c.174G>A on transcript NM_032531.4 (MANE Select); coding-DNA position 174, G replaced by A.
Protein change: p.Val58=; no amino-acid change (valine 58 retained).
Molecular consequence: synonymous variant.
Genome position (GRCh38, 1-based): chr11:126,526,647, C>T on the plus strand (G>A on the coding strand, the complement: KIRREL3 is on the minus strand). VCF-style: chr11-126526647-C-T. GRCh37 (hg19) VCF-style: chr11-126396542-C-T.
Other names: c.174G>A, p.Val58= (NM_001161707.2, NM_001301097.2).
Identifiers: ClinVar variation 1336110 (VCV001336110.6), dbSNP rs373309027, ClinGen allele CA6356307.